The following is an entry in ClinVar:

ClinVar aggregate classification (germline): Likely benign. Review status: criteria provided, multiple submitters, no conflicts (2 of 4 stars). 3 submissions from 3 submitters: Likely benign (3). Last evaluated 2024-08-20.

Conditions:
Duchenne muscular dystrophy (DMD). Also called: Duchenne Muscular Dystrophy (DMD); MUSCULAR DYSTROPHY, PSEUDOHYPERTROPHIC PROGRESSIVE, DUCHENNE TYPE. Identifiers: Orphanet 98896, MedGen C0013264, MONDO:0010679, OMIM 310200.

Allele frequency attached by ClinVar (database versions not stated): gnomAD exomes below 0.00001 and 0.00001.
gnomAD v4.1: 2 of 1,205,264 alleles (0.00017%); highest among the groups gnomAD compares: East Asian, 0.003%; no homozygotes.

Submissions (3):

Labcorp Genetics (formerly Invitae), Labcorp
Classification: Likely benign for Duchenne muscular dystrophy. Last evaluated: 2024-08-20. Review status: criteria provided, single submitter. Criteria: Invitae Variant Classification Sherloc (09022015). Collection method: clinical testing. Allele origin: germline.

Blueprint Genetics
Classification: Likely benign. Last evaluated: 2022-12-16. Review status: criteria provided, single submitter. Criteria: ACMG Guidelines, 2015. Collection method: clinical testing. Allele origin: germline.

GeneDx
Classification: Likely benign. Last evaluated: 2018-05-30. Review status: criteria provided, single submitter. Criteria: GeneDx Variant Classification (06012015). Collection method: clinical testing. Allele origin: germline. Affected: yes.
Comment: This variant is considered likely benign or benign based on one or more of the following criteria: it is a conservative change, it occurs at a poorly conserved position in the protein, it is predicted to be benign by multiple in silico algorithms, and/or has population frequency not consistent with disease.

NM_004006.3(DMD):c.5922+11A>C

Gene: DMD (dystrophin; minus strand). Cytogenetic location: Xp21.1.
Variant type: single nucleotide variant.
Coding change: c.5922+11A>C on transcript NM_004006.3 (MANE Select); 11 bases into the intron after coding-DNA position 5922, A replaced by C.
Molecular consequence: intron variant.
Genome position (GRCh38, 1-based): chrX:32,342,089, T>G on the plus strand (A>C on the coding strand, the complement: DMD is on the minus strand). VCF-style: chrX-32342089-T-G. GRCh37 (hg19) VCF-style: chrX-32360206-T-G.
Other names: c.5898+11A>C (NM_000109.4); c.1899+11A>C (NM_004011.4); c.1890+11A>C (NM_004012.4); c.5910+11A>C (NM_004009.3); c.5553+11A>C (NM_004010.3).
Identifiers: ClinVar variation 669065 (VCV000669065.10), dbSNP rs1394206261, ClinGen allele CA641364082.